The following is an entry in ClinVar:

NM_000053.4(ATP7B):c.2268G>A (p.Ala756=)

Gene: ATP7B (ATPase copper transporting beta; minus strand). Cytogenetic location: 13q14.3.
Variant type: single nucleotide variant.
Coding change: c.2268G>A on transcript NM_000053.4 (MANE Select); coding-DNA position 2268, G replaced by A.
Protein change: p.Ala756=; no amino-acid change (alanine 756 retained).
Molecular consequence: synonymous variant. On other transcripts: intron variant (2).
Genome position (GRCh38, 1-based): chr13:51,958,398, C>T on the plus strand (G>A on the coding strand, the complement: ATP7B is on the minus strand). VCF-style: chr13-51958398-C-T. GRCh37 (hg19) VCF-style: chr13-52532534-C-T.
Other names: c.1935G>A, p.Ala645= (NM_001243182.2); c.2016G>A, p.Ala672= (NM_001330579.2); c.1870-791G>A (NM_001005918.3); c.2122-791G>A (NM_001330578.2).
Identifiers: ClinVar variation 254763 (VCV000254763.15), dbSNP rs755387536, ClinGen allele CA6989076.

ClinVar aggregate classification (germline): Likely benign. Review status: criteria provided, multiple submitters, no conflicts (2 of 4 stars). 7 submissions from 7 submitters: Likely benign (7). Last evaluated 2026-05-01.

Conditions:
Inborn genetic diseases. Identifiers: MedGen C0950123, MeSH D030342.
Wilson disease (WND). Also called: Wilson's disease. Identifiers: Orphanet 905, MedGen C0019202, MONDO:0010200, OMIM 277900. Disease mechanism: loss of function.

Allele frequency attached by ClinVar (database versions not stated): gnomAD 0.00001; gnomAD exomes 0.00001 and 0.00002; ExAC 0.00002; TOPMed 0.00002.
gnomAD v4.1: 15 of 1,614,086 alleles (0.00093%); highest among the groups gnomAD compares: Admixed American, 0.0067%; no homozygotes.

Submissions (7):

CeGaT Center for Human Genetics Tuebingen
Classification: Likely benign. Last evaluated: 2026-05-01. Review status: criteria provided, single submitter. Criteria: CeGaT Center For Human Genetics Tuebingen Variant Classification Criteria Version 2. Collection method: clinical testing. Allele origin: germline. Affected: yes. Observed: 1 variant allele.
Comment: ATP7B: BP4, BP7

Labcorp Genetics (formerly Invitae), Labcorp
Classification: Likely benign for Wilson disease. Last evaluated: 2025-09-08. Review status: criteria provided, single submitter. Criteria: Invitae Variant Classification Sherloc (09022015). Collection method: clinical testing. Allele origin: germline.

Ambry Genetics
Classification: Likely benign for Inborn genetic diseases. Last evaluated: 2025-06-09. Review status: criteria provided, single submitter. Criteria: Ambry Variant Classification Scheme 2023. Collection method: clinical testing. Allele origin: germline.

All of Us Research Program, National Institutes of Health
Classification: Likely benign for Wilson disease. Last evaluated: 2023-11-28. Review status: criteria provided, single submitter. Criteria: ACMG Guidelines, 2015. Collection method: clinical testing. Allele origin: germline. Inheritance: Autosomal recessive inheritance. Observed: 7 variant alleles, 7 heterozygotes.
Comment: This study involves interpretation of variants in research participants for the purpose of population health screening. Participant phenotype was not available at the time of variant classification. Additional details can be found in publication PMID: 35346344, PMCID: PMC8962531

Color Diagnostics, LLC DBA Color Health
Classification: Likely benign for Wilson disease. Last evaluated: 2022-04-22. Review status: criteria provided, single submitter. Criteria: ACMG Guidelines, 2015. Collection method: clinical testing. Allele origin: germline.

Fulgent Genetics
Classification: Likely benign for Wilson disease. Last evaluated: 2021-10-19. Review status: criteria provided, single submitter. Criteria: ACMG Guidelines, 2015. Collection method: clinical testing. Allele origin: unknown.

PreventionGenetics, part of Exact Sciences
Classification: Likely benign. Review status: criteria provided, single submitter. Criteria: ACMG Guidelines, 2015. Collection method: clinical testing. Allele origin: germline.